The following is an entry in ClinVar:

ClinVar aggregate classification (germline): Uncertain significance (1 of 4 stars; one submission).

Submission:

Labcorp Genetics (formerly Invitae), Labcorp
Classification: Uncertain significance. Last evaluated: 2025-01-24. Review status: criteria provided, single submitter. Criteria: Invitae Variant Classification Sherloc (09022015). Collection method: clinical testing. Allele origin: germline.
Comment: This sequence change affects codon 136 of the SOX11 mRNA. It is a 'silent' change, meaning that it does not change the encoded amino acid sequence of the SOX11 protein. This variant is not present in population databases (gnomAD no frequency). This variant has not been reported in the literature in individuals affected with SOX11-related conditions. In summary, the available evidence is currently insufficient to determine the role of this variant in disease. Therefore, it has been classified as a Variant of Uncertain Significance.

NM_003108.4(SOX11):c.408G>A (p.Gln136=)

Gene: SOX11 (SRY-box transcription factor 11; plus strand). Cytogenetic location: 2p25.2.
Variant type: single nucleotide variant.
Coding change: c.408G>A on transcript NM_003108.4 (MANE Select); coding-DNA position 408, G replaced by A.
Protein change: p.Gln136=; no amino-acid change (glutamine 136 retained).
Molecular consequence: synonymous variant.
Genome position (GRCh38, 1-based): chr2:5,693,129, G>A. VCF-style: chr2-5693129-G-A. GRCh37 (hg19) VCF-style: chr2-5833261-G-A.
Identifiers: ClinVar variation 3650641 (VCV003650641.2).